The following is an entry in ClinVar:

ClinVar aggregate classification (germline): Pathogenic. Review status: criteria provided, single submitter (1 of 4 stars). 2 submissions from 2 submitters: Pathogenic (1). 1 of the submissions does not count toward it. Last evaluated 2024-01-13.

Conditions:
Cholesteryl ester storage disease (CESD). Also called: Childhood/Adult-Onset LAL-D (Cholesterol Ester Storage Disease [CESD]). Identifiers: Orphanet 75234, MedGen C0008384, MONDO:0019149, OMIM 278000.
Wolman disease (WOLD). Also called: Wolman disease, CESD; LYSOSOMAL ACID LIPASE DEFICIENCY, ACUTE INFANTILE; LYSOSOMAL ACID LIPASE DEFICIENCY, COMPLETE; LIPA DEFICIENCY, COMPLETE; LAL DEFICIENCY, COMPLETE; CHOLESTEROL ESTER HYDROLASE DEFICIENCY, COMPLETE. Identifiers: Orphanet 75233, MedGen C0043208, MONDO:0019148, OMIM 620151.

Allele frequency attached by ClinVar (database versions not stated): gnomAD exomes below 0.00001.
gnomAD v4.1: 1 of 1,603,434 alleles (0.000062%); highest among the groups gnomAD compares: African/African-American, 0.0013%; no homozygotes.

Submissions (2):

Labcorp Genetics (formerly Invitae), Labcorp
Classification: Pathogenic for Wolman disease. Last evaluated: 2024-01-13. Review status: criteria provided, single submitter. Criteria: Invitae Variant Classification Sherloc (09022015). Collection method: clinical testing. Allele origin: germline.
Comment: This sequence change creates a premature translational stop signal (p.Gln298*) in the LIPA gene. It is expected to result in an absent or disrupted protein product. Loss-of-function variants in LIPA are known to be pathogenic (PMID: 23485521). This variant is not present in population databases (gnomAD no frequency). This premature translational stop signal has been observed in individual(s) with Wolman disease (PMID: 8864960). This variant is also known as p.Gln277*. ClinVar contains an entry for this variant (Variation ID: 556586). Algorithms developed to predict the effect of sequence changes on RNA splicing suggest that this variant may disrupt the consensus splice site. For these reasons, this variant has been classified as Pathogenic.

Counsyl
Classification: Likely pathogenic for Cholesteryl ester storage disease. Last evaluated: 2018-02-13. Review status: no assertion criteria provided. Collection method: clinical testing. Allele origin: unknown. Not counted in ClinVar's aggregate classification.

Literature cited by the submitters: PubMed 23485521 (cited by Labcorp Genetics (formerly Invitae), Labcorp); PubMed 8864960 (cited by Labcorp Genetics (formerly Invitae), Labcorp and Counsyl); PubMed 8617513 (cited by Counsyl).

NM_000235.4(LIPA):c.892C>T (p.Gln298Ter)

Gene: LIPA (lipase A, lysosomal acid type; minus strand). Cytogenetic location: 10q23.31.
Variant type: single nucleotide variant.
Coding change: c.892C>T on transcript NM_000235.4 (MANE Select); coding-DNA position 892, C replaced by T.
Protein change: p.Gln298Ter; replaces glutamine 298 with a stop codon.
Molecular consequence: nonsense.
Genome position (GRCh38, 1-based): chr10:89,222,513, G>A on the plus strand (C>T on the coding strand, the complement: LIPA is on the minus strand). VCF-style: chr10-89222513-G-A. GRCh37 (hg19) VCF-style: chr10-90982270-G-A.
Other names: c.892C>T, p.Gln298Ter (NM_001127605.3); c.544C>T, p.Gln182Ter (NM_001288979.2); short protein forms Q298*, Q182*.
Identifiers: ClinVar variation 556586 (VCV000556586.6), dbSNP rs1554865206, ClinGen allele CA377516641.